The following is an entry in ClinVar:

NM_002907.4(RECQL):c.1874del (p.Lys625fs)

Genes: PYROXD1 (pyridine nucleotide-disulphide oxidoreductase domain 1; plus strand), RECQL (RecQ like helicase; minus strand). Cytogenetic location: 12p12.1.
Variant type: Deletion.
Coding change: c.1874del on transcript NM_002907.4 (MANE Select); coding-DNA position 1874, one base deleted (A; older notation c.1874delA).
Protein change: p.Lys625fs; shifts the reading frame from lysine 625.
Molecular consequence: frameshift variant. On other transcripts: 3 prime UTR variant (3).
Genome position (GRCh38, 1-based): chr12:21,470,270, T deleted on the plus strand (A on the coding strand, the reverse complement: RECQL is on the minus strand); the first of 2 consecutive T bases (chr12:21,470,270-21,470,271); deleting either gives the same sequence. VCF-style (leftmost placement, unchanged base first): chr12-21470269-CT-C. GRCh37 (hg19) VCF-style: chr12-21623203-CT-C.
Other names: c.1874del, p.Lys625fs (NM_032941.3); c.*1517del (NM_001350912.2, NM_001350913.2, NM_024854.5); short protein forms K625fs.
Identifiers: ClinVar variation 1781747 (VCV001781747.4), dbSNP rs1942905194, ClinGen allele CA2021141777.
Genomic context (GRCh38, chr12:21,470,269, plus strand): 5'-TTTTCTTTTCTTAGCTCCTGTATTCTTAGAACCAGATTGCTGAAGCATGTTTGCAGCCTT[CT>C]TCTGGAAGTTGCCTGAATTTTTTTCCTCCATCTTTTTATCACCTTGTTCAGAATGACAAG-3'

ClinVar aggregate classification (germline): Uncertain significance. Review status: criteria provided, multiple submitters, no conflicts (2 of 4 stars). 2 submissions from 2 submitters: Uncertain significance (2). Last evaluated 2026-08-06.

Conditions:
RECON progeroid syndrome (RECON). Identifiers: MedGen C5830504, MONDO:0957266, OMIM 620370.

Submissions (2):

OLLIN Analises Genomicas, OLLIN
Classification: Uncertain significance for RECON progeroid syndrome. Last evaluated: 2026-08-06. Review status: criteria provided, single submitter. Criteria: ACMG Guidelines 2015 PMID 25741868. Collection method: clinical testing. Allele origin: germline. Inheritance: Autosomal recessive inheritance.
Comment: This frameshift variant, located in exon 15 (of 15), is absent from gnomAD and has not been identified in the literature. However, it has been reported in ClinVar (accession VCV001781747.2). This variant causes a frameshift and introduces a premature stop codon, which is predicted to result in either a truncated protein or degradation of the mRNA via nonsense-mediated decay (NMD). According to the currently available evidence, this variant has been classified as uncertain significance (PM2_P).

Ambry Genetics
Classification: Uncertain significance. Last evaluated: 2026-08-05. Review status: criteria provided, single submitter. Criteria: Ambry Variant Classification Scheme 2023. Collection method: clinical testing. Allele origin: germline.
Comment: The c.1874delA variant, located in coding exon 14 of the RECQL gene, results from a deletion of one nucleotide at nucleotide position 1874, causing a translational frameshift with a predicted alternate stop codon (p.K625Rfs*35). This variant occurs at the 3' terminus of the gene and is not expected to trigger nonsense-mediated mRNA decay. Based on the available evidence, the clinical significance of this variant remains unclear.